The following is an entry in ClinVar:

NM_019098.5(CNGB3):c.643+2T>C

Gene: CNGB3 (cyclic nucleotide gated channel subunit beta 3; minus strand). Cytogenetic location: 8q21.3.
Variant type: single nucleotide variant.
Coding change: c.643+2T>C on transcript NM_019098.5 (MANE Select); the canonical splice donor site of the intron after coding-DNA position 643, T replaced by C.
Molecular consequence: splice donor variant.
Genome position (GRCh38, 1-based): chr8:86,668,017, A>G on the plus strand (T>C on the coding strand, the complement: CNGB3 is on the minus strand). VCF-style: chr8-86668017-A-G. GRCh37 (hg19) VCF-style: chr8-87680245-A-G.
Identifiers: ClinVar variation 427698 (VCV000427698.3), dbSNP rs1391492794, ClinGen allele CA371449686.

ClinVar aggregate classification (germline): Likely pathogenic. Review status: criteria provided, single submitter (1 of 4 stars). 2 submissions from 2 submitters: Likely pathogenic (1). 1 of the submissions does not count toward it. Last evaluated 2025-07-25.

Conditions:
Achromatopsia. Also called: Rod monochromatism. Identifiers: Orphanet 49382, MedGen C0152200, MONDO:0018852, HP:0011516.
Achromatopsia 3 (ACHM3). Also called: ACHROMATOPSIA WITH MYOPIA; PINGELAPESE BLINDNESS; TOTAL COLORBLINDNESS WITH MYOPIA; ROD MONOCHROMACY 1; ROD MONOCHROMATISM 1. Identifiers: Orphanet 49382, MedGen C1849792, MONDO:0009875, OMIM 262300.

Allele frequency attached by ClinVar (database versions not stated): gnomAD exomes below 0.00001.
gnomAD v4.1: 2 of 1,613,986 alleles (0.00012%); highest among the groups gnomAD compares: South Asian, 0.0022%; no homozygotes.

Submissions (2):

Natera, Inc.
Classification: Likely pathogenic for Achromatopsia. Last evaluated: 2025-07-25. Review status: criteria provided, single submitter. Criteria: Natera Variant Classification Schema (03/2026). Collection method: clinical testing. Allele origin: germline.
Comment: The c.643+2T>C variant in CNGB3 is a canonical splice donor site variant predicted to affect pre-mRNA splicing, which may result in an abnormal transcript and altered protein product. This variant is expected to result in nonsense mediated decay, truncation, or a dysfunctional protein product. This variant is rare in the general population with a frequency below the threshold expected for the associated phenotype(s). This variant has been observed in one or more individuals affected with the associated recessive disease, as either homozygous or compound heterozygous with a second variant (PMID: 28795510). Given the available evidence, this variant is classified as Likely Pathogenic.

Molecular Genetics Laboratory, Institute for Ophthalmic Research
Classification: Pathogenic for ACHM3. Last evaluated: 2017-03-27. Review status: no assertion criteria provided. Collection method: research. Allele origin: unknown. Affected: yes. Not counted in ClinVar's aggregate classification.

Literature cited by the submitters: PubMed 28795510 (cited by Natera, Inc. and Molecular Genetics Laboratory, Institute for Ophthalmic Research).